The following is an entry in ClinVar:

ClinVar aggregate classification (germline): Pathogenic (1 of 4 stars; one submission).

Conditions:
Intellectual developmental disorder, autosomal dominant 1. Also called: MBD5 Haploinsufficiency; Intellectual disability, autosomal dominant 1. Identifiers: Orphanet 228402, MedGen C1969562, MONDO:0007974, OMIM 156200.

Submission:

Gansu Provincial Maternity and Child Care Hospital
Classification: Pathogenic for Intellectual developmental disorder, autosomal dominant 1. Last evaluated: 2026-06-02. Review status: criteria provided, single submitter. Criteria: ACMG Guidelines, 2015. Collection method: clinical testing. Allele origin: de novo. Inheritance: Autosomal dominant inheritance. Affected: yes.
Comment: The c.550C>T variant is a nonsense variant (PVS1). Parental verification confirmed it as a de novo variant (PS2). This site is not recorded in the gnomAD database (PM2_supporting).This variant is classified as pathogenic.

NM_001378120.1(MBD5):c.550C>T (p.Gln184Ter)

Gene: MBD5 (methyl-CpG binding domain protein 5; plus strand). Cytogenetic location: 2q23.1.
Variant type: single nucleotide variant.
Coding change: c.550C>T on transcript NM_001378120.1 (MANE Select); coding-DNA position 550, C replaced by T.
Protein change: p.Gln184Ter; replaces glutamine 184 with a stop codon.
Molecular consequence: nonsense.
Genome position (GRCh38, 1-based): chr2:148,468,493, C>T. VCF-style: chr2-148468493-C-T. GRCh37 (hg19) VCF-style: chr2-149226062-C-T.
Other names: c.550C>T, p.Gln184Ter (NM_001438854.1, NM_001438855.1, NM_001438856.1 and 7 more transcripts); short protein forms Q184*.
Identifiers: ClinVar variation 4856399 (VCV004856399.1).
Genomic context (GRCh38, chr2:148,468,493, plus strand): 5'-TGTAAGAATCCTTTCAAGTTAATGATTGGATCATCAAATGCCATGGGAAGGCTATATGTA[C>T]AAGAACTGCCTGGAAGCCAACAACAAGAACTCCACCCTGTCTACCCCCGACAGAGATTGG-3'